The following is an entry in ClinVar:

ClinVar aggregate classification (germline): Uncertain significance. Review status: criteria provided, multiple submitters, no conflicts (2 of 4 stars). 2 submissions from 2 submitters: Uncertain significance (2). Last evaluated 2025-05-15.

Conditions:
Spermatogenic failure 18. Identifiers: MedGen C4539783, MONDO:0054615, OMIM 617576.
Ciliary dyskinesia, primary, 37 (CILD37). Also called: CILIARY DYSKINESIA, PRIMARY, 37, WITH OR WITHOUT SITUS INVERSUS. Identifiers: MedGen C4539798, MONDO:0033204, OMIM 617577.

gnomAD v4.1: 3 of 1,613,628 alleles (0.00019%); highest among the groups gnomAD compares: African/African-American, 0.0013%; no homozygotes.

Submissions (2):

Ambry Genetics
Classification: Uncertain significance. Last evaluated: 2025-05-15. Review status: criteria provided, single submitter. Criteria: Ambry Variant Classification Scheme 2023. Collection method: clinical testing. Allele origin: germline.

Labcorp Genetics (formerly Invitae), Labcorp
Classification: Uncertain significance for Ciliary dyskinesia, primary, 37; Spermatogenic failure 18. Last evaluated: 2024-05-13. Review status: criteria provided, single submitter. Criteria: Invitae Variant Classification Sherloc (09022015). Collection method: clinical testing. Allele origin: germline.
Comment: This sequence change replaces asparagine, which is neutral and polar, with serine, which is neutral and polar, at codon 2362 of the DNAH1 protein (p.Asn2362Ser). This variant is not present in population databases (gnomAD no frequency). This variant has not been reported in the literature in individuals affected with DNAH1-related conditions. Advanced modeling of protein sequence and biophysical properties (such as structural, functional, and spatial information, amino acid conservation, physicochemical variation, residue mobility, and thermodynamic stability) performed at Invitae indicates that this missense variant is not expected to disrupt DNAH1 protein function with a negative predictive value of 80%. In summary, the available evidence is currently insufficient to determine the role of this variant in disease. Therefore, it has been classified as a Variant of Uncertain Significance.

NM_015512.5(DNAH1):c.7085A>G (p.Asn2362Ser)

Gene: DNAH1 (dynein axonemal heavy chain 1; plus strand). Cytogenetic location: 3p21.1.
Variant type: single nucleotide variant.
Coding change: c.7085A>G on transcript NM_015512.5 (MANE Select); coding-DNA position 7085, A replaced by G.
Protein change: p.Asn2362Ser; replaces asparagine 2362 with serine.
Molecular consequence: missense variant.
Genome position (GRCh38, 1-based): chr3:52,375,339, A>G. VCF-style: chr3-52375339-A-G. GRCh37 (hg19) VCF-style: chr3-52409355-A-G.
Other names: c.7085A>G (NM_015512.4); short protein forms N2362S.
Identifiers: ClinVar variation 3762103 (VCV003762103.3).